The following is an entry in ClinVar:

NM_007217.4(PDCD10):c.311A>G (p.Asn104Ser)

Gene: PDCD10 (programmed cell death 10; minus strand). Cytogenetic location: 3q26.1.
Variant type: single nucleotide variant.
Coding change: c.311A>G on transcript NM_007217.4 (MANE Select); coding-DNA position 311, A replaced by G.
Protein change: p.Asn104Ser; replaces asparagine 104 with serine.
Molecular consequence: missense variant.
Genome position (GRCh38, 1-based): chr3:167,695,680, T>C on the plus strand (A>G on the coding strand, the complement: PDCD10 is on the minus strand). VCF-style: chr3-167695680-T-C. GRCh37 (hg19) VCF-style: chr3-167413468-T-C.
Other names: c.311A>G, p.Asn104Ser (NM_145859.2, NM_145860.2); short protein forms N104S.
Identifiers: ClinVar variation 1727833 (VCV001727833.8), dbSNP rs767142729, ClinGen allele CA2694592.
Genomic context (GRCh38, chr3:167,695,680, plus strand): 5'-CTGTCATTGATCTCATCTGGGATCTTACTGAGAATTTGTTTAAGTGCTCGTGCCTTTTCG[T>C]TTAGGTCTTGGAATTCTGGCTCTGGTCGTTCAATCATATACTCTGATAAAATAAATACAT-3'
Protein context (NP_009148.2, residues 94-114): ERPEPEFQDL[Asn104Ser]EKARALKQIL

ClinVar aggregate classification (germline): Uncertain significance. Review status: criteria provided, multiple submitters, no conflicts (2 of 4 stars). 2 submissions from 2 submitters: Uncertain significance (2). Last evaluated 2025-01-13.

Conditions:
Inborn genetic diseases. Identifiers: MedGen C0950123, MeSH D030342.
Cerebral cavernous malformation 3. Also called: Familial Cerebral Cavernous Malformation 3. Identifiers: Orphanet 221061, MedGen C1864040, MONDO:0011305, OMIM 603285.

Allele frequency attached by ClinVar (database versions not stated): TOPMed 0.00002; gnomAD 0.00003; ExAC 0.00004; gnomAD exomes 0.00007.
gnomAD v4.1: 110 of 1,613,408 alleles (0.0068%); highest among the groups gnomAD compares: Admixed American, 0.01%; no homozygotes.

Submissions (2):

Ambry Genetics
Classification: Uncertain significance for Inborn genetic diseases. Last evaluated: 2025-01-13. Review status: criteria provided, single submitter. Criteria: Ambry Variant Classification Scheme 2023. Collection method: clinical testing. Allele origin: germline.
Comment: The p.N104S variant (also known as c.311A>G), located in coding exon 4 of the PDCD10 gene, results from an A to G substitution at nucleotide position 311. The asparagine at codon 104 is replaced by serine, an amino acid with highly similar properties. This amino acid position is conserved. In addition, this alteration is predicted to be tolerated by in silico analysis. Since supporting evidence is limited at this time, the clinical significance of this alteration remains unclear.

Labcorp Genetics (formerly Invitae), Labcorp
Classification: Uncertain significance for Cerebral cavernous malformation 3. Last evaluated: 2023-12-11. Review status: criteria provided, single submitter. Criteria: Invitae Variant Classification Sherloc (09022015). Collection method: clinical testing. Allele origin: germline.
Comment: This sequence change replaces asparagine, which is neutral and polar, with serine, which is neutral and polar, at codon 104 of the PDCD10 protein (p.Asn104Ser). This variant is present in population databases (rs767142729, gnomAD 0.02%). This variant has not been reported in the literature in individuals affected with PDCD10-related conditions. ClinVar contains an entry for this variant (Variation ID: 1727833). An algorithm developed to predict the effect of missense changes on protein structure and function (PolyPhen-2) suggests that this variant is likely to be tolerated. In summary, the available evidence is currently insufficient to determine the role of this variant in disease. Therefore, it has been classified as a Variant of Uncertain Significance.